The following is an entry in ClinVar:

NM_001365536.1(SCN9A):c.5363A>G (p.Lys1788Arg)

Genes: SCN9A (sodium voltage-gated channel alpha subunit 9; minus strand), SCN1A-AS1 (SCN1A and SCN9A antisense RNA 1; plus strand). Cytogenetic location: 2q24.3.
Variant type: single nucleotide variant.
Coding change: c.5363A>G on transcript NM_001365536.1 (MANE Select); coding-DNA position 5363, A replaced by G.
Protein change: p.Lys1788Arg; replaces lysine 1788 with arginine.
Molecular consequence: missense variant.
Genome position (GRCh38, 1-based): chr2:166,199,276, T>C on the plus strand (A>G on the coding strand, the complement: SCN9A is on the minus strand). VCF-style: chr2-166199276-T-C. GRCh37 (hg19) VCF-style: chr2-167055786-T-C.
Other names: c.5330A>G, p.Lys1777Arg (NM_002977.4); short protein forms K1777R, K1788R.
Identifiers: ClinVar variation 946756 (VCV000946756.10), dbSNP rs1391662990, ClinGen allele CA349053273.

ClinVar aggregate classification (germline): Uncertain significance (1 of 4 stars; one submission).

Conditions:
Generalized epilepsy with febrile seizures plus, type 7 (GEFSP7). Also called: GEFS+, TYPE 7. Identifiers: Orphanet 36387, MedGen C2751778, MONDO:0013470, OMIM 613863.
Neuropathy, hereditary sensory and autonomic, type 2A (HSAN2A). Also called: HSAN IIA; MORVAN DISEASE; NEUROPATHY, CONGENITAL SENSORY; NEUROPATHY, HEREDITARY SENSORY RADICULAR, AUTOSOMAL RECESSIVE; NEUROPATHY, HEREDITARY SENSORY, TYPE IIA; NEUROPATHY, PROGRESSIVE SENSORY, OF CHILDREN. Identifiers: Orphanet 970, MedGen C2752089, MONDO:0024309, OMIM 201300.

Allele frequency attached by ClinVar (database versions not stated): gnomAD exomes below 0.00001.

Submission:

Labcorp Genetics (formerly Invitae), Labcorp
Classification: Uncertain significance for Neuropathy, hereditary sensory and autonomic, type 2A; Generalized epilepsy with febrile seizures plus, type 7. Last evaluated: 2020-06-12. Review status: criteria provided, single submitter. Criteria: Invitae Variant Classification Sherloc (09022015). Collection method: clinical testing. Allele origin: germline.
Comment: This sequence change replaces lysine with arginine at codon 1777 of the SCN9A protein (p.Lys1777Arg). The lysine residue is highly conserved and there is a small physicochemical difference between lysine and arginine. This variant is not present in population databases (ExAC no frequency). In summary, the available evidence is currently insufficient to determine the role of this variant in disease. Therefore, it has been classified as a Variant of Uncertain Significance. Algorithms developed to predict the effect of missense changes on protein structure and function are either unavailable or do not agree on the potential impact of this missense change (SIFT: "Tolerated"; PolyPhen-2: "Probably Damaging"; Align-GVGD: "Class C0"). This variant has not been reported in the literature in individuals with SCN9A-related conditions.